The following is an entry in ClinVar:

NM_182914.3(SYNE2):c.7846A>C (p.Lys2616Gln)

Gene: SYNE2 (spectrin repeat containing nuclear envelope protein 2; plus strand). Cytogenetic location: 14q23.2.
Variant type: single nucleotide variant.
Coding change: c.7846A>C on transcript NM_182914.3 (MANE Select); coding-DNA position 7846, A replaced by C.
Protein change: p.Lys2616Gln; replaces lysine 2616 with glutamine.
Molecular consequence: missense variant.
Genome position (GRCh38, 1-based): chr14:64,051,759, A>C. VCF-style: chr14-64051759-A-C. GRCh37 (hg19) VCF-style: chr14-64518477-A-C.
Other names: c.7846A>C, p.Lys2616Gln (NM_015180.6); c.7846A>C (NM_182914.2); short protein forms K2616Q.
Identifiers: ClinVar variation 1500416 (VCV001500416.7), dbSNP rs765783307, ClinGen allele CA7221027.

ClinVar aggregate classification (germline): Uncertain significance. Review status: criteria provided, multiple submitters, no conflicts (2 of 4 stars). 2 submissions from 2 submitters: Uncertain significance (2). Last evaluated 2025-07-31.

Conditions:
Emery-Dreifuss muscular dystrophy 5, autosomal dominant (EDMD5). Also called: EMERY-DREIFUSS MUSCULAR DYSTROPHY 5. Identifiers: Orphanet 261, MedGen C2751805, MONDO:0013072, OMIM 612999.

Allele frequency attached by ClinVar (database versions not stated): gnomAD exomes below 0.00001 and 0.00001; ExAC 0.00002; gnomAD 0.00005 and 0.00006; TOPMed 0.00006.
gnomAD v4.1: 12 of 1,614,120 alleles (0.00074%); highest among the groups gnomAD compares: African/African-American, 0.012%; no homozygotes.

Submissions (2):

Labcorp Genetics (formerly Invitae), Labcorp
Classification: Uncertain significance for Emery-Dreifuss muscular dystrophy 5, autosomal dominant. Last evaluated: 2025-07-31. Review status: criteria provided, single submitter. Criteria: Invitae Variant Classification Sherloc (09022015). Collection method: clinical testing. Allele origin: germline.
Comment: This sequence change replaces lysine, which is basic and polar, with glutamine, which is neutral and polar, at codon 2616 of the SYNE2 protein (p.Lys2616Gln). This variant is present in population databases (rs765783307, gnomAD 0.02%). This variant has not been reported in the literature in individuals affected with SYNE2-related conditions. ClinVar contains an entry for this variant (Variation ID: 1500416). An algorithm developed to predict the effect of missense changes on protein structure and function (PolyPhen-2) suggests that this variant is likely to be disruptive. In summary, the available evidence is currently insufficient to determine the role of this variant in disease. Therefore, it has been classified as a Variant of Uncertain Significance.

Ambry Genetics
Classification: Uncertain significance. Last evaluated: 2025-01-01. Review status: criteria provided, single submitter. Criteria: Ambry Variant Classification Scheme 2023. Collection method: clinical testing. Allele origin: germline.